The following is an entry in ClinVar:

NM_001370259.2(MEN1):c.164dup (p.Thr56fs)

Gene: MEN1 (menin 1; minus strand). Cytogenetic location: 11q13.1.
Variant type: Duplication.
Coding change: c.164dup on transcript NM_001370259.2 (MANE Select); coding-DNA position 164, one base duplicated (C; older notation c.164dupC).
Protein change: p.Thr56fs; shifts the reading frame from threonine 56.
Molecular consequence: frameshift variant.
Genome position (GRCh38, 1-based): chr11:64,809,946, G duplicated on the plus strand (C on the coding strand, the reverse complement: MEN1 is on the minus strand); the first of 3 consecutive G bases (chr11:64,809,946-64,809,948); duplicating any one gives the same sequence. VCF-style (leftmost placement, unchanged base first): chr11-64809945-A-AG. GRCh37 (hg19) VCF-style: chr11-64577417-A-AG.
Other names: c.164dupC (NM_130799.2); c.164dup, p.Thr56fs (NM_000244.4, NM_001370251.2, NM_001370260.2 and 9 more transcripts); short protein forms T56fs.
Identifiers: ClinVar variation 201018 (VCV000201018.3), dbSNP rs794728656, ClinGen allele CA306429.

ClinVar aggregate classification (germline): Pathogenic. Review status: criteria provided, multiple submitters, no conflicts (2 of 4 stars). 2 submissions from 2 submitters: Pathogenic (2). Last evaluated 2025-06-26.

Conditions:
Hereditary cancer-predisposing syndrome. Also called: Neoplastic Syndromes, Hereditary; Hereditary Cancer Syndrome; Hereditary neoplastic syndrome; Tumor predisposition. Identifiers: Orphanet 140162, MedGen C0027672, MeSH D009386, MONDO:0015356.

Submissions (2):

Ambry Genetics
Classification: Pathogenic for Hereditary cancer-predisposing syndrome. Last evaluated: 2025-06-26. Review status: criteria provided, single submitter. Criteria: Ambry Variant Classification Scheme 2023. Collection method: clinical testing. Allele origin: germline.
Comment: The c.164dupC pathogenic mutation, located in coding exon 1 of the MEN1 gene, results from a duplication of C at nucleotide position 164, causing a translational frameshift with a predicted alternate stop codon (p.T56Yfs*61). This variant is considered to be rare based on population cohorts in the Genome Aggregation Database (gnomAD). This alteration is expected to result in loss of function by premature protein truncation or nonsense-mediated mRNA decay. As such, this alteration is interpreted as a disease-causing mutation.

GeneDx
Classification: Pathogenic. Last evaluated: 2014-01-10. Review status: criteria provided, single submitter. Criteria: GeneDx Variant Classification (06012015). Collection method: clinical testing. Allele origin: germline. Affected: yes.
Comment: The c.164dupC mutation in the MEN1 gene causes a frameshift starting with codon Threonine 56, changes this amino acid to a Tyrosine residue and creates a premature Stop codon at position 61 of the new reading frame, denoted p.Thr56TyrfsX61. The normal sequence with the base that is inserted in braces is: TCCC{C}TACC. This mutation is predicted to cause loss of normal protein function either through protein truncation or nonsense-mediated mRNA decay. Although this mutation has not been previously reported to our knowledge, its presence is consistent with a diagnosis of multiple endocrine neoplasia type 1. The variant is found in MEN1 panel(s).

Literature cited by the submitters: PubMed 17879353 (cited by Ambry Genetics).